The following is an entry in ClinVar:

ClinVar aggregate classification (germline): Likely benign (1 of 4 stars; one submission).

Conditions:
ELF4-related disorder. Also called: ELF4-related condition.

gnomAD v4.1: 132 of 1,210,757 alleles (0.011%); highest among the groups gnomAD compares: South Asian, 0.19%; no homozygotes.

Submission:

PreventionGenetics, part of Exact Sciences
Classification: Likely benign for ELF4-related condition. Last evaluated: 2026-05-18. Review status: criteria provided, single submitter. Criteria: ACMG Guidelines, 2015. Collection method: clinical testing. Allele origin: germline.
Comment: This variant is classified as likely benign based on ACMG/AMP sequence variant interpretation guidelines (Richards et al. 2015 PMID: 25741868, with internal and published modifications).

NM_001421.4(ELF4):c.1103C>T (p.Pro368Leu)

Gene: ELF4 (E74 like ETS transcription factor 4; minus strand). Cytogenetic location: Xq26.1.
Variant type: single nucleotide variant.
Coding change: c.1103C>T on transcript NM_001421.4 (MANE Select); coding-DNA position 1103, C replaced by T.
Protein change: p.Pro368Leu; replaces proline 368 with leucine.
Molecular consequence: missense variant.
Genome position (GRCh38, 1-based): chrX:130,069,384, G>A on the plus strand (C>T on the coding strand, the complement: ELF4 is on the minus strand). VCF-style: chrX-130069384-G-A. GRCh37 (hg19) VCF-style: chrX-129203359-G-A.
Other names: c.1103C>T, p.Pro368Leu (NM_001127197.2, NM_001440765.1, NM_001440766.1); short protein forms P368L.
Identifiers: ClinVar variation 4981874 (VCV004981874.1).
Genomic context (GRCh38, chrX:130,069,384, plus strand): 5'-TGGCCCTCTGCTGGAGAGACGAGCATGGTGGAGGTAGTGGGGATCTCCTCGTCTAGCGAC[G>A]GTCCCAATTCCAGACTCGCAGATGGCTGGAGACCGACATGCTGAATTTTTGGCTTCTCCC-3'
Protein context (NP_001412.1, residues 358-378): LQPSASLELG[Pro368Leu]SLDEEIPTTS